The following is an entry in ClinVar:

ClinVar aggregate classification (germline): Conflicting classifications of pathogenicity. Review status: criteria provided, conflicting classifications (1 of 4 stars). 4 submissions from 4 submitters: Uncertain significance (1); Benign (1); Likely benign (1). 1 of the submissions does not count toward it. Last evaluated 2026-01-27.

Conditions:
MYOM1-related disorder.
Hypertrophic cardiomyopathy. Also called: HYPERTROPHIC MYOCARDIOPATHY. Identifiers: Orphanet 217569, MedGen C0007194, MeSH D002312, MONDO:0005045, HP:0001639.

Allele frequency attached by ClinVar (database versions not stated): gnomAD exomes 0.00013 and 0.00035; ExAC 0.00045; 1000 Genomes Project 0.00080; 1000 Genomes Project 30x 0.00094; ESP Exome Variant Server 0.00141; gnomAD 0.00150 and 0.00166; TOPMed 0.00179.

Submissions (4):

Labcorp Genetics (formerly Invitae), Labcorp
Classification: Benign for Hypertrophic cardiomyopathy. Last evaluated: 2026-01-27. Review status: criteria provided, single submitter. Criteria: Invitae Variant Classification Sherloc (09022015). Collection method: clinical testing. Allele origin: germline.

Ambry Genetics
Classification: Uncertain significance. Last evaluated: 2025-08-21. Review status: criteria provided, single submitter. Criteria: Ambry Variant Classification Scheme 2023. Collection method: clinical testing. Allele origin: germline.

Laboratory for Molecular Medicine, Mass General Brigham Personalized Medicine
Classification: Likely benign. Last evaluated: 2016-06-16. Review status: criteria provided, single submitter. Criteria: LMM Criteria. Collection method: clinical testing. Allele origin: germline. Observed: 1 variant allele.
Comment: p.Asn1191Ser in exon 23 of MYOM1: This variant is not expected to have clinical significance because it has been identified in 0.5% (51/9776) of African chromos omes including 1 homozygote by the Exome Aggregation Consortium (ExAC; dbSNP rs200480164).

PreventionGenetics, part of Exact Sciences
Classification: Likely benign for MYOM1-related condition. Last evaluated: 2019-10-28. Review status: no assertion criteria provided. Collection method: clinical testing. Allele origin: germline. Not counted in ClinVar's aggregate classification.
Comment: This variant is classified as likely benign based on ACMG/AMP sequence variant interpretation guidelines (Richards et al. 2015 PMID: 25741868, with internal and published modifications).

NM_003803.4(MYOM1):c.3572A>G (p.Asn1191Ser)

Gene: MYOM1 (myomesin 1; minus strand). Cytogenetic location: 18p11.31.
Variant type: single nucleotide variant.
Coding change: c.3572A>G on transcript NM_003803.4 (MANE Select); coding-DNA position 3572, A replaced by G.
Protein change: p.Asn1191Ser; replaces asparagine 1191 with serine.
Molecular consequence: missense variant.
Genome position (GRCh38, 1-based): chr18:3,102,477, T>C on the plus strand (A>G on the coding strand, the complement: MYOM1 is on the minus strand). VCF-style: chr18-3102477-T-C. GRCh37 (hg19) VCF-style: chr18-3102475-T-C.
Other names: c.3284A>G, p.Asn1095Ser (NM_019856.2); short protein forms N1191S, N1095S.
Identifiers: ClinVar variation 416039 (VCV000416039.19), dbSNP rs200480164, ClinGen allele CA8874258.
Genomic context (GRCh38, chr18:3,102,477, plus strand): 5'-ACCTCATTCTCCTACAGTGAAAAGGAAACCCATGATTGTGATTGACATAGTCCTTACTTG[T>C]TGCCCTTGCTTTCGACTTCCAATCGTGGAGAGTCCTCAGTGGATACATAATCTTTGGACC-3'
Protein context (NP_003794.3, residues 1181-1201): SPRLEVESKG[Asn1191Ser]KTKMTFKDLG